The following is an entry in ClinVar:

ClinVar aggregate classification (germline): Uncertain significance (1 of 4 stars; one submission).

Conditions:
Hereditary cancer-predisposing syndrome. Also called: Neoplastic Syndromes, Hereditary; Tumor predisposition; Hereditary Cancer Syndrome; Hereditary neoplastic syndrome. Identifiers: Orphanet 140162, MedGen C0027672, MeSH D009386, MONDO:0015356.

Submission:

Ambry Genetics
Classification: Uncertain significance for Hereditary cancer-predisposing syndrome. Last evaluated: 2025-11-19. Review status: criteria provided, single submitter. Criteria: Ambry Variant Classification Scheme 2023. Collection method: clinical testing. Allele origin: germline.
Comment: The c.903delC variant, located in coding exon 3 of the PHOX2B gene, results from a deletion of one nucleotide at nucleotide position 903, causing a translational frameshift with a predicted alternate stop codon (p.N302Tfs*7). This alteration occurs at the 3' terminus of the gene, is not expected to trigger nonsense-mediated mRNAdecay, and impacts the last 3% of the protein. The exact functional effect of this alteration is unknown. Based on the available evidence, the clinical significance of this variant remains unclear.

NM_003924.4(PHOX2B):c.903del (p.Asn302fs)

Gene: PHOX2B (paired like homeobox 2B; minus strand). Cytogenetic location: 4p13.
Variant type: Deletion.
Coding change: c.903del on transcript NM_003924.4 (MANE Select); coding-DNA position 903, one base deleted (C; older notation c.903delC).
Protein change: p.Asn302fs; shifts the reading frame from asparagine 302.
Molecular consequence: frameshift variant.
Genome position (GRCh38, 1-based): chr4:41,745,849, G deleted on the plus strand (C on the coding strand, the reverse complement: PHOX2B is on the minus strand); the first of 3 consecutive G bases (chr4:41,745,849-41,745,851); deleting any one gives the same sequence. VCF-style (leftmost placement, unchanged base first): chr4-41745848-TG-T. GRCh37 (hg19) VCF-style: chr4-41747865-TG-T.
Other names: c.903delC (NM_003924.3); short protein forms N302fs.
Identifiers: ClinVar variation 4666036 (VCV004666036.1).